The following is an entry in ClinVar:

NM_000289.6(PFKM):c.1413-56G>A

Gene: PFKM (phosphofructokinase, muscle; plus strand). Cytogenetic location: 12q13.11.
Variant type: single nucleotide variant.
Coding change: c.1413-56G>A on transcript NM_000289.6 (MANE Select); 56 bases into the intron before coding-DNA position 1413, G replaced by A.
Molecular consequence: intron variant.
Genome position (GRCh38, 1-based): chr12:48,141,684, G>A. VCF-style: chr12-48141684-G-A. GRCh37 (hg19) VCF-style: chr12-48535467-G-A.
Other names: c.1437-56G>A (NM_001354741.2); c.1413-56G>A (NM_001354742.2, NM_001354743.2, NM_001354744.2 and 2 more transcripts); c.1263-56G>A (NM_001354747.2, NM_001354748.2); c.1626-56G>A (NM_001166686.2, NM_001354737.1, NM_001354739.1 and 1 more transcripts); c.1722-56G>A (NM_001354736.1, NM_001354735.1); c.1557-56G>A (NM_001354740.1); c.1326-56G>A (NM_001354745.2); c.1287-56G>A (NM_001354746.2); and 1 more.
Identifiers: ClinVar variation 3055154 (VCV003055154.2), dbSNP rs531755407, ClinGen allele CA236517924.
Genomic context (GRCh38, chr12:48,141,684, plus strand): 5'-GGTCAAGAAATTAAAAATAAAGTGCCTCTAACTCTAGCTTTTCTCCCCCTCAATTTTCCT[G>A]TCTCTTCCCCAAATTCCAATTCCCCTTCCCCTCCCCGCCATCACTGATCAACTAGGACTC-3'

ClinVar aggregate classification (germline): Likely benign (0 of 4 stars; one submission).

Conditions:
PFKM-related disorder. Also called: PFKM-related condition.

Allele frequency attached by ClinVar (database versions not stated): TOPMed 0.00008; gnomAD 0.00010; 1000 Genomes Project 0.00020; 1000 Genomes Project 30x 0.00031.
gnomAD v4.1: 30 of 1,316,358 alleles (0.0023%); highest among the groups gnomAD compares: African/African-American, 0.023%; no homozygotes.

Submission:

PreventionGenetics, part of Exact Sciences
Classification: Likely benign for PFKM-related condition. Last evaluated: 2020-08-24. Review status: no assertion criteria provided. Collection method: clinical testing. Allele origin: germline.
Comment: This variant is classified as likely benign based on ACMG/AMP sequence variant interpretation guidelines (Richards et al. 2015 PMID: 25741868, with internal and published modifications).